The following is an entry in ClinVar:

NM_003601.4(SMARCA5):c.2291G>T (p.Arg764Leu)

Gene: SMARCA5 (SNF2 related chromatin remodeling ATPase 5; plus strand). Cytogenetic location: 4q31.21.
Variant type: single nucleotide variant.
Coding change: c.2291G>T on transcript NM_003601.4 (MANE Select); coding-DNA position 2291, G replaced by T.
Protein change: p.Arg764Leu; replaces arginine 764 with leucine.
Molecular consequence: missense variant.
Genome position (GRCh38, 1-based): chr4:143,545,477, G>T. VCF-style: chr4-143545477-G-T. GRCh37 (hg19) VCF-style: chr4-144466630-G-T.
Other names: short protein forms R764L.
Identifiers: ClinVar variation 3776773 (VCV003776773.1).

ClinVar aggregate classification (germline): Uncertain significance (1 of 4 stars; one submission).

Conditions:
SMARCA5-related disorder. Also called: SMARCA5-Related Disorders; SMARCA5-related condition.

Submission:

Institute of Human Genetics, Clinical Exome/Genome Diagnostics Group, University Hospital Bonn
Classification: Uncertain significance for SMARCA5-related disease. Last evaluated: 2025-03-27. Review status: criteria provided, single submitter. Criteria: ACMG Guidelines, 2015. Collection method: clinical testing. Allele origin: inherited. Inheritance: Autosomal dominant inheritance. Observed: 1 heterozygote.
Comment: PM1_supporting, PM2_supporting, PP2, PP3